The following is an entry in ClinVar:

ClinVar aggregate classification (germline): Likely pathogenic (1 of 4 stars; one submission).

Conditions:
NCF2-related disorder. Also called: NCF2-related condition.

Submission:

PreventionGenetics, part of Exact Sciences
Classification: Likely pathogenic for NCF2-related condition. Last evaluated: 2022-10-31. Review status: criteria provided, single submitter. Criteria: ACMG Guidelines, 2015. Collection method: clinical testing. Allele origin: germline.
Comment: The NCF2 c.922C>T variant is predicted to result in premature protein termination (p.Gln308*). To our knowledge, this variant has not been reported in the literature or in a large population database, indicating this variant is rare. Nonsense variants in NCF2 have been reported to cause autosomal recessive chronic granulomatous disease (CGD) in multiple individuals (see for example, Noack et al. 1999 PubMed ID: 10598813). This variant is interpreted as likely pathogenic.

NM_000433.4(NCF2):c.922C>T (p.Gln308Ter)

Gene: NCF2 (neutrophil cytosolic factor 2; minus strand). Cytogenetic location: 1q25.3.
Variant type: single nucleotide variant.
Coding change: c.922C>T on transcript NM_000433.4 (MANE Select); coding-DNA position 922, C replaced by T.
Protein change: p.Gln308Ter; replaces glutamine 308 with a stop codon.
Molecular consequence: nonsense.
Genome position (GRCh38, 1-based): chr1:183,566,922, G>A on the plus strand (C>T on the coding strand, the complement: NCF2 is on the minus strand). VCF-style: chr1-183566922-G-A. GRCh37 (hg19) VCF-style: chr1-183536057-G-A.
Other names: c.922C>T, p.Gln308Ter (NM_001127651.3); c.679C>T, p.Gln227Ter (NM_001190789.2); c.787C>T, p.Gln263Ter (NM_001190794.2); c.814C>T, p.Gln272Ter (NM_001410895.1); short protein forms Q227*, Q263*, Q272*, Q308*.
Identifiers: ClinVar variation 2637278 (VCV002637278.1), dbSNP rs1672324636, ClinGen allele CA343671305.